The following is an entry in ClinVar:

ClinVar aggregate classification (germline): Uncertain significance (1 of 4 stars; one submission).

Conditions:
Cardiomyopathy (CMYO). Also called: Cardiomyopathies. Identifiers: Orphanet 167848, MedGen C0878544, MONDO:0004994, HP:0001638. Inheritance: Various modes of inheritance.

Submission:

Color Diagnostics, LLC DBA Color Health
Classification: Uncertain significance for Cardiomyopathy. Last evaluated: 2025-07-02. Review status: criteria provided, single submitter. Criteria: ACMG Guidelines, 2015. Collection method: clinical testing. Allele origin: germline.
Comment: This variant deletes 1 nucleotide in exon 9 of the DSC2 gene, creating a frameshift and premature translation stop signal. This variant is expected to result in an absent or non-functional protein product. To our knowledge, this variant has not been reported in individuals affected with DSC2-related disorders in the literature. This variant has not been identified in the general population by the Genome Aggregation Database (gnomAD). Clinical relevance of loss-of-function DSC2 truncation variants in autosomal dominant cardiovascular disorders is not clearly established. The available evidence is insufficient to determine the role of this variant in disease conclusively. Therefore, this variant is classified as a Variant of Uncertain Significance.

NM_024422.6(DSC2):c.1244del (p.Gly415fs)

Gene: DSC2 (desmocollin 2; minus strand). Cytogenetic location: 18q12.1.
Variant type: Deletion.
Coding change: c.1244del on transcript NM_024422.6 (MANE Select); coding-DNA position 1244, one base deleted (G; older notation c.1244delG).
Protein change: p.Gly415fs; shifts the reading frame from glycine 415.
Molecular consequence: frameshift variant.
Genome position (GRCh38, 1-based): chr18:31,082,257, C deleted on the plus strand (G on the coding strand, the reverse complement: DSC2 is on the minus strand); the first of 2 consecutive C bases (chr18:31,082,257-31,082,258); deleting either gives the same sequence. VCF-style (leftmost placement, unchanged base first): chr18-31082256-TC-T. GRCh37 (hg19) VCF-style: chr18-28662222-TC-T.
Other names: c.815del, p.Gly272fs (NM_001406506.1, NM_001406507.1); c.1244del, p.Gly415fs (NM_004949.5); short protein forms G272fs, G415fs.
Identifiers: ClinVar variation 4757461 (VCV004757461.1).
Genomic context (GRCh38, chr18:31,082,256, plus strand): 5'-ATGATATTATAAACTACAAATAATGTTCTAATTTATTCTTACCTTAACTACACAAAGAAC[TC>T]CTTCATTGGTTTTGGCATCTGTTACAATTTTAAAATTGCCATTTTCATTGCCCTTTAAAA-3'